The following is an entry in ClinVar:

NM_000492.4(CFTR):c.508del (p.Arg170fs)

Gene: CFTR (CF transmembrane conductance regulator; plus strand). Cytogenetic location: 7q31.2.
Variant type: Deletion.
Coding change: c.508del on transcript NM_000492.4 (MANE Select); coding-DNA position 508, one base deleted (C; older notation c.508delC).
Protein change: p.Arg170fs; shifts the reading frame from arginine 170.
Molecular consequence: frameshift variant.
Genome position (GRCh38, 1-based): chr7:117,534,294, C deleted; the last of 2 consecutive C bases (chr7:117,534,293-117,534,294); deleting either gives the same sequence. VCF-style (leftmost placement, unchanged base first): chr7-117534292-GC-G. GRCh37 (hg19) VCF-style: chr7-117174346-GC-G.
Other names: c.508delC (NM_000492.4); short protein forms R170fs.
Identifiers: ClinVar variation 3594268 (VCV003594268.3).

ClinVar aggregate classification (germline): Pathogenic/Likely pathogenic. Review status: criteria provided, multiple submitters, no conflicts (2 of 4 stars). 2 submissions from 2 submitters: Pathogenic (1); Likely pathogenic (1). Last evaluated 2025-01-08.

Conditions:
Cystic fibrosis (CF). Also called: MUCOVISCIDOSIS. Identifiers: Orphanet 586, MedGen C0010674, MONDO:0009061, OMIM 219700. Disease mechanism: loss of function.
Bronchiectasis with or without elevated sweat chloride 1 (BESC1). Also called: Cystic Fibrosis-Like Syndrome. Identifiers: Orphanet 60033, MedGen C2749757, MONDO:0008887, OMIM 211400.
Hereditary pancreatitis (PCTT). Also called: Hereditary chronic pancreatitis; PRSS1-Related Hereditary Pancreatitis. Identifiers: Orphanet 676, MedGen C0238339, MONDO:0008185, OMIM 167800.
Congenital bilateral aplasia of vas deferens from CFTR mutation (CBAVD). Identifiers: Orphanet 48, MedGen C0403814, MONDO:0010178, OMIM 277180. Disease mechanism: loss of function.

Submissions (2):

Women's Health and Genetics/Laboratory Corporation of America, LabCorp
Classification: Pathogenic for Cystic fibrosis. Last evaluated: 2025-01-08. Review status: criteria provided, single submitter. Criteria: LabCorp Variant Classification Summary - May 2015. Collection method: clinical testing. Allele origin: germline.
Comment: Variant summary: CFTR c.508delC (p.Arg170ValfsX3) results in a premature termination codon, predicted to cause a truncation of the encoded protein or absence of the protein due to nonsense mediated decay, which are commonly known mechanisms for disease. The variant was absent in 250410 control chromosomes. To our knowledge, no occurrence of c.508delC in individuals affected with Cystic Fibrosis and no experimental evidence demonstrating its impact on protein function have been reported. No submitters have cited clinical-significance assessments for this variant to ClinVar. Based on the evidence outlined above, the variant was classified as pathogenic.

Fulgent Genetics
Classification: Likely pathogenic for Hereditary pancreatitis; Bronchiectasis with or without elevated sweat chloride 1; Cystic fibrosis; Congenital bilateral aplasia of vas deferens from CFTR mutation. Last evaluated: 2024-03-06. Review status: criteria provided, single submitter. Criteria: ACMG Guidelines, 2015. Collection method: clinical testing. Allele origin: germline.